The following is an entry in ClinVar:

NM_001308093.3(GATA4):c.62G>T (p.Gly21Val)

Gene: GATA4 (GATA binding protein 4). Cytogenetic location: 8p23.1.
Variant type: single nucleotide variant.
Coding change: c.62G>T on transcript NM_001308093.3 (MANE Select); coding-DNA position 62, G replaced by T.
Protein change: p.Gly21Val; replaces glycine 21 with valine.
Molecular consequence: missense variant. On other transcripts: intron variant (3).
Genome position (GRCh38, 1-based): chr8:11,708,374, G>T. VCF-style: chr8-11708374-G-T. GRCh37 (hg19) VCF-style: chr8-11565883-G-T.
Other names: c.62G>T, p.Gly21Val (NM_002052.5); c.-6+7596G>T (NM_001308094.2); c.-3+360G>T (NM_001374274.1); c.-3+4070G>T (NM_001374273.1); short protein forms G21V.
Identifiers: ClinVar variation 518873 (VCV000518873.5), dbSNP rs202213149, ClinGen allele CA4630597.

ClinVar aggregate classification (germline): Uncertain significance (1 of 4 stars; one submission).

Conditions:
Cardiovascular phenotype. Identifiers: MedGen CN230736.

Allele frequency attached by ClinVar (database versions not stated): gnomAD 0.00001; TOPMed 0.00001; gnomAD exomes 0.00003; ExAC 0.00004; 1000 Genomes Project 0.00020; 1000 Genomes Project 30x 0.00031.
gnomAD v4.1: 5 of 1,555,636 alleles (0.00032%); highest among the groups gnomAD compares: East Asian, 0.012%; no homozygotes.

Submission:

Ambry Genetics
Classification: Uncertain significance for Cardiovascular phenotype. Last evaluated: 2017-11-03. Review status: criteria provided, single submitter. Criteria: Ambry Variant Classification Scheme 2023. Collection method: clinical testing. Allele origin: germline.
Comment: The p.G21V variant (also known as c.62G>T), located in coding exon 1 of the GATA4 gene, results from a G to T substitution at nucleotide position 62. The glycine at codon 21 is replaced by valine, an amino acid with dissimilar properties. This alteration has been reported to segregate with atrial septal defect in two apparently unrelated families, and luciferase assay suggested that this alteration would result in reduced transcriptional activity in the experimental system (Liu XY et al. Int. J. Mol. Med., 2011 Jul;28:17-23). This amino acid position is highly conserved in available vertebrate species. In addition, the in silico prediction for this alteration is inconclusive. Since supporting evidence is limited at this time, the clinical significance of this alteration remains unclear.

Literature cited by the submitters: PubMed 21373748.